The following is an entry in ClinVar:

NM_001035.3(RYR2):c.11623G>A (p.Val3875Ile)

Gene: RYR2 (ryanodine receptor 2; plus strand). Cytogenetic location: 1q43.
Variant type: single nucleotide variant.
Coding change: c.11623G>A on transcript NM_001035.3 (MANE Select); coding-DNA position 11623, G replaced by A.
Protein change: p.Val3875Ile; replaces valine 3875 with isoleucine.
Molecular consequence: missense variant.
Genome position (GRCh38, 1-based): chr1:237,772,077, G>A. VCF-style: chr1-237772077-G-A. GRCh37 (hg19) VCF-style: chr1-237935377-G-A.
Other names: c.11623G>A, p.Val3875Ile (LRG_402t1); short protein forms V3875I.
Identifiers: ClinVar variation 404183 (VCV000404183.50), dbSNP rs1060500137, ClinGen allele CA16610054.

ClinVar aggregate classification (germline): Pathogenic/Likely pathogenic. Review status: criteria provided, multiple submitters, no conflicts (2 of 4 stars). 3 submissions from 3 submitters: Pathogenic (1); Likely pathogenic (2). Last evaluated 2022-05-17.

Conditions:
Cardiovascular phenotype. Identifiers: MedGen CN230736.
RYR2-related disorder. Also called: RYR2-related condition.
Catecholaminergic polymorphic ventricular tachycardia 1. Also called: RYR2-Related Catecholaminergic Polymorphic Ventricular Tachycardia; VENTRICULAR TACHYCARDIA, CATECHOLAMINERGIC POLYMORPHIC, 1, WITH OR WITHOUT ATRIAL DYSFUNCTION AND/OR DILATED CARDIOMYOPATHY; VENTRICULAR TACHYCARDIA, STRESS-INDUCED POLYMORPHIC 1. Identifiers: Orphanet 3286, MedGen C1631597, MONDO:0011484, OMIM 604772.

Submissions (3):

Molecular Diagnostic Laboratory for Inherited Cardiovascular Disease, Montreal Heart Institute
Classification: Likely pathogenic for Cardiovascular phenotype. Last evaluated: 2022-05-17. Review status: criteria provided, single submitter. Criteria: ACMG Guidelines, 2015. Collection method: clinical testing. Allele origin: germline. Affected: yes.

Labcorp Genetics (formerly Invitae), Labcorp
Classification: Pathogenic for Catecholaminergic polymorphic ventricular tachycardia 1. Last evaluated: 2022-03-19. Review status: criteria provided, single submitter. Criteria: Invitae Variant Classification Sherloc (09022015). Collection method: clinical testing. Allele origin: germline.
Comment: This sequence change replaces valine, which is neutral and non-polar, with isoleucine, which is neutral and non-polar, at codon 3875 of the RYR2 protein (p.Val3875Ile). This variant is not present in population databases (gnomAD no frequency). This missense change has been observed in individual(s) with clinical features of RYR2-related conditions (Invitae). In at least one individual the variant was observed to be de novo. ClinVar contains an entry for this variant (Variation ID: 404183). Advanced modeling of protein sequence and biophysical properties (such as structural, functional, and spatial information, amino acid conservation, physicochemical variation, residue mobility, and thermodynamic stability) performed at Invitae indicates that this missense variant is expected to disrupt RYR2 protein function. For these reasons, this variant has been classified as Pathogenic.

Blueprint Genetics
Classification: Likely pathogenic for RYR2-related disorders. Last evaluated: 2019-11-22. Review status: criteria provided, single submitter. Criteria: ACMG Guidelines, 2015. Collection method: clinical testing. Allele origin: germline. Affected: yes. Observed: 3 variant alleles.